The following is an entry in ClinVar:

ClinVar aggregate classification (germline): Uncertain significance. Review status: criteria provided, single submitter (1 of 4 stars). 2 submissions from 2 submitters: Uncertain significance (1). 1 of the submissions does not count toward it. Last evaluated 2022-07-03.

Conditions:
Nemaline myopathy 2 (NEM2). Also called: Nemaline myopathy 2, autosomal recessive. Identifiers: MedGen C1850569, MONDO:0009725, OMIM 256030.

Allele frequency attached by ClinVar (database versions not stated): gnomAD exomes below 0.00001; TOPMed below 0.00001.
gnomAD v4.1: 2 of 1,613,944 alleles (0.00012%); highest among the groups gnomAD compares: Non-Finnish European, 0.000085%; no homozygotes.

Submissions (2):

Labcorp Genetics (formerly Invitae), Labcorp
Classification: Uncertain significance for Nemaline myopathy 2. Last evaluated: 2022-07-03. Review status: criteria provided, single submitter. Criteria: Invitae Variant Classification Sherloc (09022015). Collection method: clinical testing. Allele origin: germline.
Comment: This sequence change replaces asparagine, which is neutral and polar, with serine, which is neutral and polar, at codon 3685 of the NEB protein (p.Asn3685Ser). This variant is not present in population databases (gnomAD no frequency). This variant has not been reported in the literature in individuals affected with NEB-related conditions. Algorithms developed to predict the effect of missense changes on protein structure and function output the following: SIFT: "Tolerated"; PolyPhen-2: "Not Available"; Align-GVGD: "Class C0". The serine amino acid residue is found in multiple mammalian species, which suggests that this missense change does not adversely affect protein function. In summary, the available evidence is currently insufficient to determine the role of this variant in disease. Therefore, it has been classified as a Variant of Uncertain Significance.

Natera, Inc.
Classification: Uncertain significance for Nemaline myopathy type 2. Last evaluated: 2025-03-22. Review status: no assertion criteria provided. Collection method: clinical testing. Allele origin: germline. Not counted in ClinVar's aggregate classification.

NM_001164508.2(NEB):c.11054A>G (p.Asn3685Ser)

Gene: NEB (nebulin; minus strand). Cytogenetic location: 2q23.3.
Variant type: single nucleotide variant.
Coding change: c.11054A>G on transcript NM_001164508.2 (MANE Select); coding-DNA position 11054, A replaced by G.
Protein change: p.Asn3685Ser; replaces asparagine 3685 with serine.
Molecular consequence: missense variant.
Genome position (GRCh38, 1-based): chr2:151,618,297, T>C on the plus strand (A>G on the coding strand, the complement: NEB is on the minus strand). VCF-style: chr2-151618297-T-C. GRCh37 (hg19) VCF-style: chr2-152474811-T-C.
Other names: c.11054A>G, p.Asn3685Ser (NM_001164507.2, NM_001271208.2); c.10325A>G, p.Asn3442Ser (NM_004543.5); short protein forms N3685S, N3442S.
Identifiers: ClinVar variation 2013441 (VCV002013441.2), dbSNP rs2098272534, ClinGen allele CA348785708.